The following is an entry in ClinVar:

ClinVar aggregate classification (germline): Likely benign (1 of 4 stars; one submission).

Conditions:
LEPR-related disorder. Also called: LEPR-related condition; LEPR-related disorders.

Submission:

PreventionGenetics, part of Exact Sciences
Classification: Likely benign for LEPR-related condition. Last evaluated: 2026-02-09. Review status: criteria provided, single submitter. Criteria: ACMG Guidelines, 2015. Collection method: clinical testing. Allele origin: germline.
Comment: This variant is classified as likely benign based on ACMG/AMP sequence variant interpretation guidelines (Richards et al. 2015 PMID: 25741868, with internal and published modifications).

NM_002303.6(LEPR):c.1278T>C (p.Tyr426=)

Gene: LEPR (leptin receptor; plus strand). Cytogenetic location: 1p31.3.
Variant type: single nucleotide variant.
Coding change: c.1278T>C on transcript NM_002303.6 (MANE Select); coding-DNA position 1278, T replaced by C.
Protein change: p.Tyr426=; no amino-acid change (tyrosine 426 retained).
Molecular consequence: synonymous variant.
Genome position (GRCh38, 1-based): chr1:65,601,675, T>C. VCF-style: chr1-65601675-T-C. GRCh37 (hg19) VCF-style: chr1-66067358-T-C.
Other names: c.1278T>C, p.Tyr426= (NM_001003679.3, NM_001003680.3, NM_001198687.2 and 2 more transcripts).
Identifiers: ClinVar variation 5002446 (VCV005002446.1).